The following is an entry in ClinVar:

NM_000722.4(CACNA2D1):c.1516-9C>T

Gene: CACNA2D1 (calcium voltage-gated channel auxiliary subunit alpha2delta 1; minus strand). Cytogenetic location: 7q21.11.
Variant type: single nucleotide variant.
Coding change: c.1516-9C>T on transcript NM_000722.4 (MANE Select); 9 bases into the intron before coding-DNA position 1516, C replaced by T.
Molecular consequence: intron variant.
Genome position (GRCh38, 1-based): chr7:82,005,506, G>A on the plus strand (C>T on the coding strand, the complement: CACNA2D1 is on the minus strand). VCF-style: chr7-82005506-G-A. GRCh37 (hg19) VCF-style: chr7-81634822-G-A.
Other names: c.1516-9C>T (NM_001366867.1, LRG_437t1).
Identifiers: ClinVar variation 506504 (VCV000506504.10), dbSNP rs201578104, ClinGen allele CA4318007.

ClinVar aggregate classification (germline): Benign. Review status: criteria provided, multiple submitters, no conflicts (2 of 4 stars). 3 submissions from 3 submitters: Benign (3). Last evaluated 2017-04-29.

Conditions:
Brugada syndrome. Also called: Sudden unexpected nocturnal death syndrome; Sudden unexplained nocturnal death syndrome; Sudden Unexplained Death Syndrome; Sudden Unexplained Nocturnal Death Syndrome (SUNDS). Identifiers: Orphanet 130, MedGen C1142166, MONDO:0015263.

Allele frequency attached by ClinVar (database versions not stated): ExAC 0.14443.

Submissions (3):

Labcorp Genetics (formerly Invitae), Labcorp
Classification: Benign for Brugada syndrome. Last evaluated: 2017-04-29. Review status: criteria provided, single submitter. Criteria: Invitae Variant Classification Sherloc (09022015). Collection method: clinical testing. Allele origin: germline.

GeneDx
Classification: Benign. Last evaluated: 2017-02-14. Review status: criteria provided, single submitter. Criteria: GeneDx Variant Classification (06012015). Collection method: clinical testing. Allele origin: germline. Affected: yes.
Comment: This variant is considered likely benign or benign based on one or more of the following criteria: it is a conservative change, it occurs at a poorly conserved position in the protein, it is predicted to be benign by multiple in silico algorithms, and/or has population frequency not consistent with disease.

Breakthrough Genomics
Classification: Benign. Review status: criteria provided, single submitter. Criteria: ACMG Guidelines, 2015. Collection method: not provided. Allele origin: germline. Inheritance: Autosomal recessive inheritance. Affected: yes.